The following is an entry in ClinVar:

NM_024529.5(CDC73):c.578A>G (p.Lys193Arg)

Gene: CDC73 (cell division cycle 73; plus strand). Cytogenetic location: 1q31.2.
Variant type: single nucleotide variant.
Coding change: c.578A>G on transcript NM_024529.5 (MANE Select); coding-DNA position 578, A replaced by G.
Protein change: p.Lys193Arg; replaces lysine 193 with arginine.
Molecular consequence: missense variant.
Genome position (GRCh38, 1-based): chr1:193,141,915, A>G. VCF-style: chr1-193141915-A-G. GRCh37 (hg19) VCF-style: chr1-193111045-A-G.
Other names: short protein forms K193R.
Identifiers: ClinVar variation 2450581 (VCV002450581.2), dbSNP rs2527324431, ClinGen allele CA343962367.

ClinVar aggregate classification (germline): Uncertain significance (1 of 4 stars; one submission).

Conditions:
Hereditary cancer-predisposing syndrome. Also called: Neoplastic Syndromes, Hereditary; Tumor predisposition; Hereditary neoplastic syndrome; Hereditary Cancer Syndrome. Identifiers: Orphanet 140162, MedGen C0027672, MeSH D009386, MONDO:0015356.

Submission:

Ambry Genetics
Classification: Uncertain significance for Hereditary cancer-predisposing syndrome. Last evaluated: 2023-01-12. Review status: criteria provided, single submitter. Criteria: Ambry Variant Classification Scheme 2023. Collection method: clinical testing. Allele origin: germline.
Comment: The p.K193R variant (also known as c.578A>G), located in coding exon 7 of the CDC73 gene, results from an A to G substitution at nucleotide position 578. The lysine at codon 193 is replaced by arginine, an amino acid with highly similar properties. This amino acid position is conserved. In addition, the in silico prediction for this alteration is inconclusive. Since supporting evidence is limited at this time, the clinical significance of this alteration remains unclear.